The following is an entry in ClinVar:

NM_018489.3(ASH1L):c.403C>T (p.His135Tyr)

Gene: ASH1L (ASH1 like histone lysine methyltransferase; minus strand). Cytogenetic location: 1q22.
Variant type: single nucleotide variant.
Coding change: c.403C>T on transcript NM_018489.3 (MANE Select); coding-DNA position 403, C replaced by T.
Protein change: p.His135Tyr; replaces histidine 135 with tyrosine.
Molecular consequence: missense variant.
Genome position (GRCh38, 1-based): chr1:155,521,117, G>A on the plus strand (C>T on the coding strand, the complement: ASH1L is on the minus strand). VCF-style: chr1-155521117-G-A. GRCh37 (hg19) VCF-style: chr1-155490908-G-A.
Other names: c.403C>T, p.His135Tyr (NM_001366177.2); short protein forms H135Y.
Identifiers: ClinVar variation 3365977 (VCV003365977.1).

ClinVar aggregate classification (germline): Uncertain significance (1 of 4 stars; one submission).

Submission:

GeneDx
Classification: Uncertain significance. Last evaluated: 2023-10-15. Review status: criteria provided, single submitter. Criteria: GeneDx Variant Classification Process June 2021. Collection method: clinical testing. Allele origin: germline. Affected: yes.
Comment: Not observed at significant frequency in large population cohorts (gnomAD); In silico analysis supports that this missense variant has a deleterious effect on protein structure/function; Has not been previously published as pathogenic or benign to our knowledge